The following is an entry in ClinVar:

NM_015386.3(COG4):c.2293A>G (p.Thr765Ala)

Gene: COG4 (component of oligomeric golgi complex 4; minus strand). Cytogenetic location: 16q22.1.
Variant type: single nucleotide variant.
Coding change: c.2293A>G on transcript NM_015386.3 (MANE Select); coding-DNA position 2293, A replaced by G.
Protein change: p.Thr765Ala; replaces threonine 765 with alanine.
Molecular consequence: missense variant. On other transcripts: non-coding transcript variant (1).
Genome position (GRCh38, 1-based): chr16:70,481,087, T>C on the plus strand (A>G on the coding strand, the complement: COG4 is on the minus strand). VCF-style: chr16-70481087-T-C. GRCh37 (hg19) VCF-style: chr16-70514990-T-C.
Other names: c.2293A>G (NM_015386.2); c.2218A>G, p.Thr740Ala (NM_001195139.2); c.1867A>G, p.Thr623Ala (NM_001365426.1); short protein forms T740A, T765A, T623A.
Identifiers: ClinVar variation 2199739 (VCV002199739.3), dbSNP rs184431716, ClinGen allele CA8143970.
Genomic context (GRCh38, chr16:70,481,087, plus strand): 5'-TGATATCTTCACTGCGGAAGTCTATCCGCAGGGCCAGCACCTGGCGCACTTCAGCAGGGG[T>C]GAGGCGCCACGTCAATGGGCCGGAATTGGGTCCCCAGTAATCGAGGATCTCGGTCACCTG-3'
Protein context (NP_056201.2, residues 755-775): PNSGPLTWRL[Thr765Ala]PAEVRQVLAL

ClinVar aggregate classification (germline): Uncertain significance. Review status: criteria provided, multiple submitters, no conflicts (2 of 4 stars). 2 submissions from 2 submitters: Uncertain significance (2). Last evaluated 2025-12-30.

Conditions:
COG4-congenital disorder of glycosylation. Also called: CONGENITAL DISORDER OF GLYCOSYLATION, TYPE IIj; CDG IIj; COG4-CDG. Identifiers: Orphanet 263501, MedGen C4303552, MONDO:0013281, OMIM 613489.
Inborn genetic diseases. Identifiers: MedGen C0950123, MeSH D030342.

Allele frequency attached by ClinVar (database versions not stated): gnomAD 0.00003; gnomAD exomes 0.00006; TOPMed 0.00006; ExAC 0.00007; 1000 Genomes Project 0.00020; 1000 Genomes Project 30x 0.00031.
gnomAD v4.1: 41 of 1,613,234 alleles (0.0025%); highest among the groups gnomAD compares: Admixed American, 0.065%; 1 homozygote.

Submissions (2):

Labcorp Genetics (formerly Invitae), Labcorp
Classification: Uncertain significance for COG4-congenital disorder of glycosylation. Last evaluated: 2025-12-30. Review status: criteria provided, single submitter. Criteria: Invitae Variant Classification Sherloc (09022015). Collection method: clinical testing. Allele origin: germline.
Comment: This sequence change replaces threonine, which is neutral and polar, with alanine, which is neutral and non-polar, at codon 765 of the COG4 protein (p.Thr765Ala). This variant is present in population databases (rs184431716, gnomAD 0.09%). This variant has not been reported in the literature in individuals affected with COG4-related conditions. ClinVar contains an entry for this variant (Variation ID: 2199739). Invitae Evidence Modeling of protein sequence and biophysical properties (such as structural, functional, and spatial information, amino acid conservation, physicochemical variation, residue mobility, and thermodynamic stability) has been performed for this missense variant. However, the output from this modeling did not meet the statistical confidence thresholds required to predict the impact of this variant on COG4 protein function. In summary, the available evidence is currently insufficient to determine the role of this variant in disease. Therefore, it has been classified as a Variant of Uncertain Significance.

Ambry Genetics
Classification: Uncertain significance for Inborn genetic diseases. Last evaluated: 2022-03-23. Review status: criteria provided, single submitter. Criteria: Ambry Variant Classification Scheme 2023. Collection method: clinical testing. Allele origin: germline.
Comment: Unlikely to be causative of Saul-Wilson syndrome (AD) Based on insufficient or conflicting evidence, the clinical significance of this alteration remains unclear.